The following is an entry in ClinVar:

ClinVar aggregate classification (germline): Likely benign. Review status: criteria provided, multiple submitters, no conflicts (2 of 4 stars). 2 submissions from 2 submitters: Likely benign (2). Last evaluated 2025-10-01.

Conditions:
Autosomal recessive limb-girdle muscular dystrophy type 2J (LGMDR10). Also called: MUSCULAR DYSTROPHY, LIMB-GIRDLE, AUTOSOMAL RECESSIVE 10; Limb-girdle muscular dystrophy, type 2J. Identifiers: Orphanet 140922, MedGen C1837342, MONDO:0012127, OMIM 608807.
Dilated cardiomyopathy 1G (CMD1G). Identifiers: Orphanet 154, MedGen C1858763, MONDO:0011400, OMIM 604145.

Allele frequency attached by ClinVar (database versions not stated): TOPMed 0.00001.

Submissions (2):

Labcorp Genetics (formerly Invitae), Labcorp
Classification: Likely benign for Dilated cardiomyopathy 1G; Autosomal recessive limb-girdle muscular dystrophy type 2J. Last evaluated: 2025-10-01. Review status: criteria provided, single submitter. Criteria: Invitae Variant Classification Sherloc (09022015). Collection method: clinical testing. Allele origin: germline.

GeneDx
Classification: Likely benign. Last evaluated: 2017-09-12. Review status: criteria provided, single submitter. Criteria: GeneDx Variant Classification (06012015). Collection method: clinical testing. Allele origin: germline. Affected: yes.
Comment: This variant is considered likely benign or benign based on one or more of the following criteria: it is a conservative change, it occurs at a poorly conserved position in the protein, it is predicted to be benign by multiple in silico algorithms, and/or has population frequency not consistent with disease.

NM_001267550.2(TTN):c.28939C>T (p.Leu9647=)

Gene: TTN (titin; minus strand). Cytogenetic location: 2q31.2.
Variant type: single nucleotide variant.
Coding change: c.28939C>T on transcript NM_001267550.2 (MANE Select); coding-DNA position 28939, C replaced by T.
Protein change: p.Leu9647=; no amino-acid change (leucine 9647 retained).
Molecular consequence: synonymous variant. On other transcripts: intron variant (3).
Genome position (GRCh38, 1-based): chr2:178,707,628, G>A on the plus strand (C>T on the coding strand, the complement: TTN is on the minus strand). VCF-style: chr2-178707628-G-A. GRCh37 (hg19) VCF-style: chr2-179572355-G-A.
Other names: c.27988C>T, p.Leu9330= (NM_001256850.1); c.25207C>T, p.Leu8403= (NM_133378.4); c.13282+30454C>T (NM_003319.4); c.13858+30454C>T (NM_133437.4); c.13657+30454C>T (NM_133432.3).
Identifiers: ClinVar variation 512070 (VCV000512070.2), dbSNP rs879099128, ClinGen allele CA61002024.